The following is an entry in ClinVar:

ClinVar aggregate classification (germline): Conflicting classifications of pathogenicity. Review status: criteria provided, conflicting classifications (1 of 4 stars). 2 submissions from 2 submitters: Uncertain significance (1); Likely benign (1). Last evaluated 2026-01-28.

Conditions:
SBF2-related disorder. Also called: SBF2-related condition.
Charcot-Marie-Tooth disease type 4. Also called: Charcot-Marie-Tooth disease, type IV; Charcot-Marie-Tooth, Type 4. Identifiers: Orphanet 64749, MedGen C4082197, MONDO:0018995.

Allele frequency attached by ClinVar (database versions not stated): gnomAD exomes 0.00002 and 0.00004; ExAC 0.00006; TOPMed 0.00006; ESP Exome Variant Server 0.00008; gnomAD 0.00008 and 0.00009; 1000 Genomes Project 0.00020; 1000 Genomes Project 30x 0.00031.
gnomAD v4.1: 44 of 1,614,118 alleles (0.0027%); highest among the groups gnomAD compares: African/African-American, 0.0053%; no homozygotes.

Submissions (2):

Labcorp Genetics (formerly Invitae), Labcorp
Classification: Likely benign for Charcot-Marie-Tooth disease type 4. Last evaluated: 2026-01-28. Review status: criteria provided, single submitter. Criteria: Invitae Variant Classification Sherloc (09022015). Collection method: clinical testing. Allele origin: germline.

PreventionGenetics, part of Exact Sciences
Classification: Uncertain significance for SBF2-related condition. Last evaluated: 2025-12-03. Review status: criteria provided, single submitter. Criteria: ACMG Guidelines, 2015. Collection method: clinical testing. Allele origin: germline.
Comment: The SBF2 c.5484C>T variant is not predicted to result in an amino acid change (p.=). This variant is predicted to impact splicing based on splicing prediction programs (SpliceAI, Jaganathan et al. 2019. PubMed ID: 30661751). However, the use of computer prediction programs is not equivalent to functional evidence. To our knowledge, this variant has not been reported in the literature. This variant is reported in 0.0094% of alleles in individuals of European (Non-Finnish) descent in gnomAD. At this time, the clinical significance of this variant is uncertain due to the absence of conclusive functional and genetic evidence.

NM_030962.4(SBF2):c.5484C>T (p.Cys1828=)

Genes: SBF2 (SET binding factor 2; minus strand), SBF2-AS1 (SBF2 antisense RNA 1; plus strand). Cytogenetic location: 11p15.4.
Variant type: single nucleotide variant.
Coding change: c.5484C>T on transcript NM_030962.4 (MANE Select); coding-DNA position 5484, C replaced by T.
Protein change: p.Cys1828=; no amino-acid change (cysteine 1828 retained).
Molecular consequence: synonymous variant.
Genome position (GRCh38, 1-based): chr11:9,780,484, G>A on the plus strand (C>T on the coding strand, the complement: SBF2 is on the minus strand). VCF-style: chr11-9780484-G-A. GRCh37 (hg19) VCF-style: chr11-9802031-G-A.
Other names: c.5580C>T, p.Cys1860= (NM_001386339.1); c.5355C>T, p.Cys1785= (NM_001386342.1).
Identifiers: ClinVar variation 695857 (VCV000695857.11), dbSNP rs149571145, ClinGen allele CA5880688.